The following is an entry in ClinVar:

ClinVar aggregate classification (germline): Uncertain significance (1 of 4 stars; one submission).

Conditions:
Hereditary cancer-predisposing syndrome. Also called: Neoplastic Syndromes, Hereditary; Tumor predisposition; Hereditary neoplastic syndrome; Hereditary Cancer Syndrome. Identifiers: Orphanet 140162, MedGen C0027672, MeSH D009386, MONDO:0015356.

Submission:

Ambry Genetics
Classification: Uncertain significance for Hereditary cancer-predisposing syndrome. Last evaluated: 2022-08-25. Review status: criteria provided, single submitter. Criteria: Ambry Variant Classification Scheme 2023. Collection method: clinical testing. Allele origin: germline.
Comment: The c.2824_2825delGCinsAA variant (also known as p.A942N), located in coding exon 9 of the BRCA1 gene, results from an in-frame deletion of GC and insertion of AA at nucleotide positions 2824 to 2825. This results in the substitution of the alanine residue for an asparagine residue at codon 942, an amino acid with dissimilar properties. This amino acid position is not well conserved in available vertebrate species. Since supporting evidence is limited at this time, the clinical significance of this alteration remains unclear.

NM_007294.4(BRCA1):c.2824_2825delinsAA (p.Ala942Asn)

Gene: BRCA1 (BRCA1 DNA repair associated; minus strand). Cytogenetic location: 17q21.31.
Variant type: Indel.
Coding change: c.2824_2825delinsAA on transcript NM_007294.4 (MANE Select); coding-DNA positions 2824 to 2825, GC replaced by AA.
Protein change: p.Ala942Asn; replaces alanine 942 with asparagine.
Molecular consequence: missense variant. On other transcripts: intron variant (137).
Genome position (GRCh38, 1-based): chr17:43,092,706-43,092,707, GC replaced by TT on the plus strand (GC replaced by AA on the coding strand, the reverse complement: BRCA1 is on the minus strand). VCF-style: chr17-43092706-GC-TT. GRCh37 (hg19) VCF-style: chr17-41244723-GC-TT.
Other names: c.2614_2615delinsAA, p.Ala872Asn (NM_001407884.1, NM_001407885.1, NM_001407889.1 and 13 more transcripts); c.2611_2612delinsAA, p.Ala871Asn (NM_001407894.1, NM_001407853.1, NM_001407895.1 and 9 more transcripts); c.2683_2684delinsAA, p.Ala895Asn (NM_001407851.1, NM_001407852.1, NM_001407942.1 and 29 more transcripts); c.2824_2825delinsAA, p.Ala942Asn (NM_001407854.1, NM_001407858.1, NM_001407859.1 and 30 more transcripts); c.2821_2822delinsAA, p.Ala941Asn (NM_001407860.1, NM_001407861.1, NM_001407587.1 and 22 more transcripts); c.2623_2624delinsAA, p.Ala875Asn (NM_001407862.1); c.2701_2702delinsAA, p.Ala901Asn (NM_001407863.1, NM_001407919.1, NM_001407937.1 and 19 more transcripts); c.2620_2621delinsAA, p.Ala874Asn (NM_001407874.1, NM_001407875.1); and 41 more; short protein forms A646N, A774N, A814N, A815N, A830N, A831N, A853N, A854N.
Identifiers: ClinVar variation 3226123 (VCV003226123.1), dbSNP rs2552183090, ClinGen allele CA2825002534.